The following is an entry in ClinVar:

NM_007315.4(STAT1):c.1097A>C (p.Lys366Thr)

Gene: STAT1 (signal transducer and activator of transcription 1; minus strand). Cytogenetic location: 2q32.2.
Variant type: single nucleotide variant.
Coding change: c.1097A>C on transcript NM_007315.4 (MANE Select); coding-DNA position 1097, A replaced by C.
Protein change: p.Lys366Thr; replaces lysine 366 with threonine.
Molecular consequence: missense variant. On other transcripts: intron variant (1).
Genome position (GRCh38, 1-based): chr2:190,989,615, T>G on the plus strand (A>C on the coding strand, the complement: STAT1 is on the minus strand). VCF-style: chr2-190989615-T-G. GRCh37 (hg19) VCF-style: chr2-191854341-T-G.
Other names: c.1103A>C, p.Lys368Thr (NM_001384881.1, NM_001384884.1); c.1097A>C, p.Lys366Thr (NM_001384882.1, NM_001384886.1, NM_001384888.1 and 3 more transcripts); c.998A>C, p.Lys333Thr (NM_001384883.1); c.938A>C, p.Lys313Thr (NM_001384885.1); c.1004A>C, p.Lys335Thr (NM_001384887.1); c.1007A>C, p.Lys336Thr (NM_001384890.1); c.1133A>C, p.Lys378Thr (NM_001384891.1); c.1037+1613A>C (NM_001384880.1); short protein forms K335T, K336T, K313T, K366T, K378T, K368T, K333T.
Identifiers: ClinVar variation 4992069 (VCV004992069.1).

ClinVar aggregate classification (germline): Uncertain significance (1 of 4 stars; one submission).

Conditions:
STAT1-related disorder. Also called: STAT1-related condition.

Submission:

PreventionGenetics, part of Exact Sciences
Classification: Uncertain significance for STAT1-related condition. Last evaluated: 2026-01-27. Review status: criteria provided, single submitter. Criteria: ACMG Guidelines, 2015. Collection method: clinical testing. Allele origin: germline.
Comment: The STAT1 c.1097A>C variant is predicted to result in the amino acid substitution p.Lys366Thr. To our knowledge, this variant has not been reported in the literature or in a large population database (gnomAD), indicating this variant is rare. At this time, the clinical significance of this variant is uncertain due to the absence of conclusive functional and genetic evidence.